The following is an entry in ClinVar:

ClinVar aggregate classification (germline): Benign (1 of 4 stars; one submission).

Allele frequency attached by ClinVar (database versions not stated): 1000 Genomes Project 0.00300; 1000 Genomes Project 30x 0.00500; ExAC 0.00552; gnomAD 0.00895.
gnomAD v4.1: 21,033 of 1,506,886 alleles (1.4%); highest among the groups gnomAD compares: Non-Finnish European, 1.7%; 195 homozygotes.

Submission:

CeGaT Center for Human Genetics Tuebingen
Classification: Benign. Last evaluated: 2023-07-01. Review status: criteria provided, single submitter. Criteria: CeGaT Center For Human Genetics Tuebingen Variant Classification Criteria Version 2. Collection method: clinical testing. Allele origin: germline. Affected: yes. Observed: 1 variant allele.
Comment: RCC1L: BS1, BS2

NM_030798.5(RCC1L):c.43C>T (p.Arg15Trp)

Genes: RCC1L (RCC1 like; minus strand), LOC129998666 (ATAC-STARR-seq lymphoblastoid silent region 18290; plus strand). Cytogenetic location: 7q11.23.
Variant type: single nucleotide variant.
Coding change: c.43C>T on transcript NM_030798.5 (MANE Select); coding-DNA position 43, C replaced by T.
Protein change: p.Arg15Trp; replaces arginine 15 with tryptophan.
Molecular consequence: missense variant. On other transcripts: 5 prime UTR variant (1).
Genome position (GRCh38, 1-based): chr7:75,073,695, G>A on the plus strand (C>T on the coding strand, the complement: RCC1L is on the minus strand). VCF-style: chr7-75073695-G-A. GRCh37 (hg19) VCF-style: chr7-74489531-G-A.
Other names: c.43C>T, p.Arg15Trp (NM_001281441.2, NM_148842.3); c.-591C>T (NM_001363447.2); short protein forms R15W.
Identifiers: ClinVar variation 2657607 (VCV002657607.24), dbSNP rs201728682, ClinGen allele CA4299163.